The following is an entry in ClinVar:

ClinVar aggregate classification (germline): Conflicting classifications of pathogenicity. Review status: criteria provided, conflicting classifications (1 of 4 stars). 2 submissions from 2 submitters: Likely pathogenic (1); Uncertain significance (1). Last evaluated 2024-10-12.

Conditions:
Benign familial hematuria. Also called: thin basement membrane disease. Identifiers: MedGen C0241908, MONDO:0957317.

gnomAD v4.1: 4 of 1,613,588 alleles (0.00025%); highest among the groups gnomAD compares: Non-Finnish European, 0.00034%; no homozygotes.

Submissions (2):

Labcorp Genetics (formerly Invitae), Labcorp
Classification: Uncertain significance. Last evaluated: 2024-10-12. Review status: criteria provided, single submitter. Criteria: Invitae Variant Classification Sherloc (09022015). Collection method: clinical testing. Allele origin: germline.
Comment: This sequence change replaces glycine, which is neutral and non-polar, with arginine, which is basic and polar, at codon 469 of the COL4A4 protein (p.Gly469Arg). This variant is not present in population databases (gnomAD no frequency). This variant has not been reported in the literature in individuals affected with COL4A4-related conditions. ClinVar contains an entry for this variant (Variation ID: 1708954). Invitae Evidence Modeling of protein sequence and biophysical properties (such as structural, functional, and spatial information, amino acid conservation, physicochemical variation, residue mobility, and thermodynamic stability) has been performed for this missense variant. However, the output from this modeling did not meet the statistical confidence thresholds required to predict the impact of this variant on COL4A4 protein function. In summary, the available evidence is currently insufficient to determine the role of this variant in disease. Therefore, it has been classified as a Variant of Uncertain Significance.

MGZ Medical Genetics Center
Classification: Likely pathogenic for Hematuria, benign familial, 1. Last evaluated: 2022-01-18. Review status: criteria provided, single submitter. Criteria: ACMG Guidelines, 2015. Collection method: clinical testing. Allele origin: germline. Affected: yes. Observed: 1 variant allele.
Comment: ACMG criteria applied: PM1_STR, PM2_SUP, PP3

NM_000092.5(COL4A4):c.1405G>A (p.Gly469Arg)

Gene: COL4A4 (collagen type IV alpha 4 chain; minus strand). Cytogenetic location: 2q36.3.
Variant type: single nucleotide variant.
Coding change: c.1405G>A on transcript NM_000092.5 (MANE Select); coding-DNA position 1405, G replaced by A.
Protein change: p.Gly469Arg; replaces glycine 469 with arginine.
Molecular consequence: missense variant.
Genome position (GRCh38, 1-based): chr2:227,089,922, C>T on the plus strand (G>A on the coding strand, the complement: COL4A4 is on the minus strand). VCF-style: chr2-227089922-C-T. GRCh37 (hg19) VCF-style: chr2-227954638-C-T.
Other names: short protein forms G469R.
Identifiers: ClinVar variation 1708954 (VCV001708954.4), dbSNP rs926605269, ClinGen allele CA350850614.